The following is an entry in ClinVar:

ClinVar aggregate classification (germline): Likely benign (0 of 4 stars; one submission).

Conditions:
TBP-related disorder. Also called: TBP-related condition.

Allele frequency attached by ClinVar (database versions not stated): gnomAD exomes 0.00002; ExAC 0.00012; TOPMed 0.00022; ESP Exome Variant Server 0.00023; gnomAD 0.00030; 1000 Genomes Project 30x 0.00047; 1000 Genomes Project 0.00060.
gnomAD v4.1: 80 of 1,608,314 alleles (0.005%); highest among the groups gnomAD compares: African/African-American, 0.091%; no homozygotes.

Submission:

PreventionGenetics, part of Exact Sciences
Classification: Likely benign for TBP-related condition. Last evaluated: 2019-07-16. Review status: no assertion criteria provided. Collection method: clinical testing. Allele origin: germline.
Comment: This variant is classified as likely benign based on ACMG/AMP sequence variant interpretation guidelines (Richards et al. 2015 PMID: 25741868, with internal and published modifications).

NM_003194.5(TBP):c.570C>T (p.Ala190=)

Gene: TBP (TATA-box binding protein; plus strand). Cytogenetic location: 6q27.
Variant type: single nucleotide variant.
Coding change: c.570C>T on transcript NM_003194.5 (MANE Select); coding-DNA position 570, C replaced by T.
Protein change: p.Ala190=; no amino-acid change (alanine 190 retained).
Molecular consequence: synonymous variant.
Genome position (GRCh38, 1-based): chr6:170,564,617, C>T. VCF-style: chr6-170564617-C-T. GRCh37 (hg19) VCF-style: chr6-170873705-C-T.
Other names: c.510C>T, p.Ala170= (NM_001172085.2).
Identifiers: ClinVar variation 3049695 (VCV003049695.2), dbSNP rs143116974, ClinGen allele CA4108414.